The following is an entry in ClinVar:

NM_018082.6(POLR3B):c.1931C>T (p.Ala644Val)

Gene: POLR3B (RNA polymerase III subunit B; plus strand). Cytogenetic location: 12q23.3.
Variant type: single nucleotide variant.
Coding change: c.1931C>T on transcript NM_018082.6 (MANE Select); coding-DNA position 1931, C replaced by T.
Protein change: p.Ala644Val; replaces alanine 644 with valine.
Molecular consequence: missense variant.
Genome position (GRCh38, 1-based): chr12:106,437,755, C>T. VCF-style: chr12-106437755-C-T. GRCh37 (hg19) VCF-style: chr12-106831533-C-T.
Other names: c.1757C>T, p.Ala586Val (NM_001160708.2); short protein forms A644V, A586V.
Identifiers: ClinVar variation 1388777 (VCV001388777.12), dbSNP rs1287153394, ClinGen allele CA386390826.

ClinVar aggregate classification (germline): Uncertain significance. Review status: criteria provided, multiple submitters, no conflicts (2 of 4 stars). 5 submissions from 5 submitters: Uncertain significance (5). Last evaluated 2026-01-22.

Conditions:
Inborn genetic diseases. Identifiers: MedGen C0950123, MeSH D030342.
POLR3B-related disorder. Also called: POLR3B-related condition; POLR3B-related disorders. Identifiers: MedGen CN378588, MONDO:0700277.

Allele frequency attached by ClinVar (database versions not stated): gnomAD 0.00004 and 0.00003; gnomAD exomes 0.00001; TOPMed 0.00002.
gnomAD v4.1: 38 of 1,590,462 alleles (0.0024%); highest among the groups gnomAD compares: Admixed American, 0.012%; no homozygotes.

Submissions (5):

Dasa
Classification: Uncertain significance for POLR3B-related disorder. Last evaluated: 2026-01-22. Review status: criteria provided, single submitter. Criteria: DASA Assertion Criteria. Collection method: clinical testing. Allele origin: germline.
Comment: NM_018082.6(POLR3B):c.1931C>T (p.Ala644Val) is a missense variant that results in the substitution of alanine with valine. This variant is rare in population databases. Computational prediction algorithms are consistent with a deleterious effect. The currently available literature and clinical evidence are not sufficient to establish a definitive association between this variant and the reported condition. Therefore, this variant is classified as a variant of uncertain significance.

Ambry Genetics
Classification: Uncertain significance for Inborn genetic diseases. Last evaluated: 2025-06-18. Review status: criteria provided, single submitter. Criteria: Ambry Variant Classification Scheme 2023. Collection method: clinical testing. Allele origin: germline.

GeneDx
Classification: Uncertain significance. Last evaluated: 2022-05-20. Review status: criteria provided, single submitter. Criteria: GeneDx Variant Classification Process June 2021. Collection method: clinical testing. Allele origin: germline. Affected: yes.
Comment: In silico analysis supports that this missense variant has a deleterious effect on protein structure/function; Has not been previously published as pathogenic or benign to our knowledge; Not observed at significant frequency in large population cohorts (gnomAD)

Labcorp Genetics (formerly Invitae), Labcorp
Classification: Uncertain significance. Last evaluated: 2021-10-15. Review status: criteria provided, single submitter. Criteria: Invitae Variant Classification Sherloc (09022015). Collection method: clinical testing. Allele origin: germline.
Comment: In summary, the available evidence is currently insufficient to determine the role of this variant in disease. Therefore, it has been classified as a Variant of Uncertain Significance. Algorithms developed to predict the effect of missense changes on protein structure and function are either unavailable or do not agree on the potential impact of this missense change (SIFT: "Deleterious"; PolyPhen-2: "Benign"; Align-GVGD: "Class C55"). This variant has not been reported in the literature in individuals affected with POLR3B-related conditions. This variant is not present in population databases (ExAC no frequency). This sequence change replaces alanine with valine at codon 644 of the POLR3B protein (p.Ala644Val). The alanine residue is highly conserved and there is a small physicochemical difference between alanine and valine.

Laboratorio de Genetica e Diagnostico Molecular, Hospital Israelita Albert Einstein
Classification: Uncertain significance. Last evaluated: 2020-04-22. Review status: criteria provided, single submitter. Criteria: ACMG Guidelines, 2015. Collection method: clinical testing. Allele origin: germline. Affected: yes.
Comment: ACMG classification criteria: PM2, PP3